The following is an entry in ClinVar:

NM_004646.4(NPHS1):c.349G>A (p.Glu117Lys)

Gene: NPHS1 (NPHS1 adhesion molecule, nephrin; minus strand). Cytogenetic location: 19q13.12.
Variant type: single nucleotide variant.
Coding change: c.349G>A on transcript NM_004646.4 (MANE Select); coding-DNA position 349, G replaced by A.
Protein change: p.Glu117Lys; replaces glutamic acid 117 with lysine.
Molecular consequence: missense variant.
Genome position (GRCh38, 1-based): chr19:35,851,310, C>T on the plus strand (G>A on the coding strand, the complement: NPHS1 is on the minus strand). VCF-style: chr19-35851310-C-T. GRCh37 (hg19) VCF-style: chr19-36342212-C-T.
Other names: short protein forms E117K.
Identifiers: ClinVar variation 259500 (VCV000259500.26), dbSNP rs3814995, ClinGen allele CA9390838.

ClinVar aggregate classification (germline): Benign. Review status: criteria provided, multiple submitters, no conflicts (2 of 4 stars). 15 submissions from 15 submitters: Benign (12). 3 of the submissions do not count toward it. Last evaluated 2026-02-04.

Conditions:
Finnish congenital nephrotic syndrome (NPHS1). Also called: NEPHROTIC SYNDROME, TYPE 1. Identifiers: Orphanet 839, MedGen C0403399, MONDO:0009732, OMIM 256300.
Congenital nephrotic syndrome. Also called: Familial nephrotic syndrome. Identifiers: MedGen C3501848, MeSH C535761, MONDO:0002350, HP:0008677.

Allele frequency attached by ClinVar (database versions not stated): gnomAD 0.26161 and 0.25613; 1000 Genomes Project 30x 0.28779; 1000 Genomes Project 0.29193; ESP Exome Variant Server 0.23320; TOPMed 0.25904.
gnomAD v4.1: 497,049 of 1,613,534 alleles (31%); highest among the groups gnomAD compares: East Asian, 61%; 81,502 homozygotes.

Submissions (15):

Labcorp Genetics (formerly Invitae), Labcorp
Classification: Benign. Last evaluated: 2026-02-04. Review status: criteria provided, single submitter. Criteria: Invitae Variant Classification Sherloc (09022015). Collection method: clinical testing. Allele origin: germline.

Blueprint Genetics
Classification: Benign. Last evaluated: 2024-11-28. Review status: criteria provided, single submitter. Criteria: ACMG Guidelines, 2015. Collection method: clinical testing. Allele origin: germline.

Unidad de Genómica Garrahan, Hospital de Pediatría Garrahan
Classification: Benign. Last evaluated: 2024-07-15. Review status: criteria provided, single submitter. Criteria: ACMG Guidelines, 2015. Collection method: clinical testing. Allele origin: germline. Affected: no. Observed: 64 variant alleles.
Comment: This variant is classified as Benign based on local population frequency. This variant was detected in 69% of patients studied in a panel designed for Epileptic and Developmental Encephalopathy and Progressive Myoclonus Epilepsy. Number of patients: 64. Only high quality variants are reported.

Mayo Clinic Laboratories, Mayo Clinic
Classification: Benign. Last evaluated: 2022-11-14. Review status: criteria provided, single submitter. Criteria: ACMG Guidelines, 2015. Collection method: clinical testing. Allele origin: germline. Observed: 71 variant alleles.
Comment: BA1

Genome-Nilou Lab
Classification: Benign for Finnish congenital nephrotic syndrome. Last evaluated: 2021-06-10. Review status: criteria provided, single submitter. Criteria: ACMG Guidelines, 2015. Collection method: clinical testing. Allele origin: germline. Affected: no.

GeneDx
Classification: Benign. Last evaluated: 2018-06-19. Review status: criteria provided, single submitter. Criteria: GeneDx Variant Classification (06012015). Collection method: clinical testing. Allele origin: germline. Affected: yes.
Comment: This variant is considered likely benign or benign based on one or more of the following criteria: it is a conservative change, it occurs at a poorly conserved position in the protein, it is predicted to be benign by multiple in silico algorithms, and/or has population frequency not consistent with disease.

Illumina Laboratory Services, Illumina
Classification: Benign for Congenital nephrotic syndrome. Last evaluated: 2018-03-06. Review status: criteria provided, single submitter. Criteria: ICSL Variant Classification Criteria 13 December 2019. Collection method: clinical testing. Allele origin: germline.
Comment: This variant was observed in the ICSL laboratory as part of a predisposition screen in an ostensibly healthy population. It had not been previously curated by ICSL or reported in the Human Gene Mutation Database (HGMD: prior to June 1st, 2018), and was therefore a candidate for classification through an automated scoring system. Utilizing variant allele frequency, disease prevalence and penetrance estimates, and inheritance mode, an automated score was calculated to assess if this variant is too frequent to cause the disease. Based on the score and internal cut-off values, a variant classified as benign is not then subjected to further curation. The score for this variant resulted in a classification of benign for this disease.

Athena Diagnostics
Classification: Benign for Finnish congenital nephrotic syndrome. Last evaluated: 2017-04-28. Review status: criteria provided, single submitter. Criteria: Athena Diagnostics Criteria. Collection method: clinical testing. Allele origin: germline.

Women's Health and Genetics/Laboratory Corporation of America, LabCorp
Classification: Benign. Last evaluated: 2016-10-17. Review status: criteria provided, single submitter. Criteria: LabCorp Variant Classification Summary - May 2015. Collection method: clinical testing. Allele origin: germline.
Comment: Variant summary: The NPHS1 c.349G>A (p.Glu117Lys) variant involves the alteration of a conserved nucleotide. 2/3 in silico tools predict a benign outcome for this variant (SNPs&GO and MutationTaster not captured due to low reliability index). This variant was found in 37468/119026 control chromosomes (6569 homozygotes) at a frequency of 0.3147884, which is approximately 94 times the estimated maximal expected allele frequency of a pathogenic NPHS1 variant (0.0033541), evidence that this variant is a benign polymorphism. In addition, one clinical diagnostic laboratory classified this variant as benign. Taken together, this variant is classified as benign.

Genome Diagnostics Laboratory, University Medical Center Utrecht
Classification: Benign for Finnish congenital nephrotic syndrome. Last evaluated: 2014-10-09. Review status: criteria provided, single submitter. Criteria: ACGS Guidelines, 2013. Collection method: clinical testing. Allele origin: germline. Affected: yes. Study: VKGL Data-share Consensus.

Breakthrough Genomics
Classification: Benign. Review status: criteria provided, single submitter. Criteria: ACMG Guidelines, 2015. Collection method: not provided. Allele origin: germline. Inheritance: Autosomal recessive inheritance. Affected: yes.

PreventionGenetics, part of Exact Sciences
Classification: Benign. Review status: criteria provided, single submitter. Criteria: ACMG Guidelines, 2015. Collection method: clinical testing. Allele origin: germline.

Natera, Inc.
Classification: Benign for Finnish congenital nephrotic syndrome. Last evaluated: 2020-09-16. Review status: no assertion criteria provided. Collection method: clinical testing. Allele origin: germline. Not counted in ClinVar's aggregate classification.

Diagnostic Laboratory, Department of Genetics, University Medical Center Groningen
Classification: Benign for Finnish congenital nephrotic syndrome. Review status: no assertion criteria provided. Collection method: clinical testing. Allele origin: germline. Affected: yes. Study: VKGL Data-share Consensus. Not counted in ClinVar's aggregate classification.

Joint Genome Diagnostic Labs from Nijmegen and Maastricht, Radboudumc and MUMC+
Classification: Benign. Review status: no assertion criteria provided. Collection method: clinical testing. Allele origin: germline. Affected: yes. Study: VKGL Data-share Consensus. Not counted in ClinVar's aggregate classification.